The following is an entry in ClinVar:

ClinVar aggregate classification (germline): Uncertain significance (1 of 4 stars; one submission).

Conditions:
Inborn genetic diseases. Identifiers: MedGen C0950123, MeSH D030342.

Submission:

Ambry Genetics
Classification: Uncertain significance for Inborn genetic diseases. Last evaluated: 2024-03-20. Review status: criteria provided, single submitter. Criteria: Ambry Variant Classification Scheme 2023. Collection method: clinical testing. Allele origin: germline.
Comment: The c.9193C>T (p.H3065Y) alteration is located in coding exon 56 of the MYCBP2 gene. This alteration results from a C to T substitution at nucleotide position 9193, causing the histidine (H) at amino acid position 3065 to be replaced by a tyrosine (Y). This variant was not reported in population-based cohorts in the Genome Aggregation Database (gnomAD). This amino acid position is highly conserved in available vertebrate species. The in silico prediction for this alteration is inconclusive. Based on insufficient or conflicting evidence, the clinical significance of this alteration remains unclear.

NM_015057.5(MYCBP2):c.9193C>T (p.His3065Tyr)

Gene: MYCBP2 (MYC binding protein 2; minus strand). Cytogenetic location: 13q22.3.
Variant type: single nucleotide variant.
Coding change: c.9193C>T on transcript NM_015057.5 (MANE Select); coding-DNA position 9193, C replaced by T.
Protein change: p.His3065Tyr; replaces histidine 3065 with tyrosine.
Molecular consequence: missense variant.
Genome position (GRCh38, 1-based): chr13:77,097,961, G>A on the plus strand (C>T on the coding strand, the complement: MYCBP2 is on the minus strand). VCF-style: chr13-77097961-G-A. GRCh37 (hg19) VCF-style: chr13-77672096-G-A.
Other names: short protein forms H3065Y.
Identifiers: ClinVar variation 3297269 (VCV003297269.1).